The following is an entry in ClinVar:

NM_000104.4(CYP1B1):c.37_38delinsTA (p.Leu13Ter)

Gene: CYP1B1 (cytochrome P450 family 1 subfamily B member 1; minus strand). Cytogenetic location: 2p22.2.
Variant type: Indel.
Coding change: c.37_38delinsTA on transcript NM_000104.4 (MANE Select); coding-DNA positions 37 to 38, CT replaced by TA.
Protein change: p.Leu13Ter; replaces leucine 13 with a stop codon.
Molecular consequence: nonsense.
Genome position (GRCh38, 1-based): chr2:38,075,351-38,075,352, AG replaced by TA on the plus strand (CT replaced by TA on the coding strand, the reverse complement: CYP1B1 is on the minus strand). VCF-style: chr2-38075351-AG-TA. GRCh37 (hg19) VCF-style: chr2-38302494-AG-TA.
Other names: NM_000104.4:c.37_38delinsTA; short protein forms L13*.
Identifiers: ClinVar variation 5037938 (VCV005037938.1).

ClinVar aggregate classification (germline): Pathogenic (3 of 4 stars; one submission).

Conditions:
CYP1B1-related glaucoma with or without anterior segment dysgenesis. Identifiers: MedGen CN375931, MONDO:0800472.

Submission:

ClinGen Glaucoma Variant Curation Expert Panel
Classification: Pathogenic for CYP1B1-related glaucoma with or without anterior segment dysgenesis. Last evaluated: 2026-10-27. Review status: reviewed by expert panel. Criteria: ClinGen Glaucoma ACMG Specifications CYP1B1 V2.0. Collection method: curation. Allele origin: germline. Inheritance: Autosomal recessive inheritance.
Comment: The c.37_38delinsTA variant in CYP1B1 is a deletion of two nucleotides and insertion of two nucleotides, predicted to cause a change in the length of the protein due to the insertion of a terminating codon instead of the usual Leucine at amino acid 13 (p.Leu13Ter). This variant was not found in any genetic ancestry group of gnomAD (v4.1), meeting the ≤ 0.0005 threshold set for PM2_Supporting in a genetic ancestry group of at least 2,000 alleles. This deletion-insertion variant was predicted to undergo NMD, meeting PVS1. This variant has been identified in an individual with a CYP1B1-related phenotype. 1 affected segregation with a CYP1B1-related phenotype has been reported (PMID: 30662834), which fulfilled PP1. No functional evidence has been found for this variant. In summary, this variant met the criteria to receive a score of 10 and to be classified as pathogenic (pathogenic classification ≥ 10, adapted from PMID: 32720330) for CYP1B1-related glaucoma with or without anterior segment dysgenesis (ASD) based on the ACMG/AMP criteria met, as specified by the ClinGen Glaucoma VCEP (v2.0, 16.07.2026): PVS1, PP1, PM2_Supporting.